The following is an entry in ClinVar:

NM_004304.5(ALK):c.2928C>T (p.His976=)

Gene: ALK (ALK receptor tyrosine kinase; minus strand). Cytogenetic location: 2p23.2.
Variant type: single nucleotide variant.
Coding change: c.2928C>T on transcript NM_004304.5 (MANE Select); coding-DNA position 2928, C replaced by T.
Protein change: p.His976=; no amino-acid change (histidine 976 retained).
Molecular consequence: synonymous variant.
Genome position (GRCh38, 1-based): chr2:29,227,061, G>A on the plus strand (C>T on the coding strand, the complement: ALK is on the minus strand). VCF-style: chr2-29227061-G-A. GRCh37 (hg19) VCF-style: chr2-29449927-G-A.
Identifiers: ClinVar variation 239816 (VCV000239816.33), dbSNP rs75895956, ClinGen allele CA1594122.
Genomic context (GRCh38, chr2:29,227,061, plus strand): 5'-GTGACATTCGTCTACCTCACAGTGACTGCAGTTTAGATAATGCTTAATATTCACTTCCCC[G>A]TGGCCTTCCATCACTAGTGACAAGGAGGGAGGGTCAGTCTTGGGCCGAGCCTGCCTCCCC-3'
Protein context (NP_004295.2, residues 966-986): YTPALKVMEG[His976=]GEVNIKHYLN

ClinVar aggregate classification (germline): Benign/Likely benign. Review status: criteria provided, multiple submitters, no conflicts (2 of 4 stars). 7 submissions from 7 submitters: Benign (2); Likely benign (4). 1 of the submissions does not count toward it. Last evaluated 2026-02-01.

Conditions:
Hereditary cancer-predisposing syndrome. Also called: Tumor predisposition; Hereditary Cancer Syndrome; Neoplastic Syndromes, Hereditary; Hereditary neoplastic syndrome. Identifiers: Orphanet 140162, MedGen C0027672, MeSH D009386, MONDO:0015356.
ALK-related disorder. Also called: ALK-related condition.
Neuroblastoma, susceptibility to, 3. Also called: ALK-Related Neuroblastic Tumor Susceptibility. Identifiers: Orphanet 635, MedGen C2751681, MONDO:0013083, OMIM 613014.

Allele frequency attached by ClinVar (database versions not stated): ESP Exome Variant Server 0.00008; TOPMed 0.00008; gnomAD 0.00011; gnomAD exomes 0.00023 and 0.00033; ExAC 0.00040.
gnomAD v4.1: 356 of 1,613,896 alleles (0.022%); highest among the groups gnomAD compares: Non-Finnish European, 0.021%; no homozygotes.

Submissions (7):

CeGaT Center for Human Genetics Tuebingen
Classification: Likely benign. Last evaluated: 2026-02-01. Review status: criteria provided, single submitter. Criteria: CeGaT Center For Human Genetics Tuebingen Variant Classification Criteria Version 2. Collection method: clinical testing. Allele origin: germline. Affected: yes. Observed: 2 variant alleles.
Comment: ALK: BP4, BP7

Labcorp Genetics (formerly Invitae), Labcorp
Classification: Benign for Neuroblastoma, susceptibility to, 3. Last evaluated: 2026-01-31. Review status: criteria provided, single submitter. Criteria: Invitae Variant Classification Sherloc (09022015). Collection method: clinical testing. Allele origin: germline.

Blueprint Genetics
Classification: Likely benign. Last evaluated: 2024-09-11. Review status: criteria provided, single submitter. Criteria: ACMG Guidelines, 2015. Collection method: clinical testing. Allele origin: germline.

Ambry Genetics
Classification: Likely benign for Hereditary cancer-predisposing syndrome. Last evaluated: 2024-08-20. Review status: criteria provided, single submitter. Criteria: Ambry Variant Classification Scheme 2023. Collection method: clinical testing. Allele origin: germline.

Sema4
Classification: Benign for Hereditary cancer-predisposing syndrome. Last evaluated: 2021-10-19. Review status: criteria provided, single submitter. Criteria: Sema4 Curation Guidelines. Collection method: curation. Allele origin: germline.

Illumina Laboratory Services, Illumina
Classification: Likely benign for Neuroblastoma, susceptibility to, 3. Last evaluated: 2018-01-13. Review status: criteria provided, single submitter. Criteria: ICSL Variant Classification Criteria 13 December 2019. Collection method: clinical testing. Allele origin: germline.
Comment: This variant was observed in the ICSL laboratory as part of a predisposition screen in an ostensibly healthy population. It had not been previously curated by ICSL or reported in the Human Gene Mutation Database (HGMD: prior to June 1st, 2018), and was therefore a candidate for classification through an automated scoring system. Utilizing variant allele frequency, disease prevalence and penetrance estimates, and inheritance mode, an automated score was calculated to assess if this variant is too frequent to cause the disease. Based on the score and internal cut-off values, a variant classified as likely benign is not then subjected to further curation. The score for this variant resulted in a classification of likely benign for this disease.

PreventionGenetics, part of Exact Sciences
Classification: Likely benign for ALK-related condition. Last evaluated: 2022-01-06. Review status: no assertion criteria provided. Collection method: clinical testing. Allele origin: germline. Not counted in ClinVar's aggregate classification.
Comment: This variant is classified as likely benign based on ACMG/AMP sequence variant interpretation guidelines (Richards et al. 2015 PMID: 25741868, with internal and published modifications).